The following is an entry in ClinVar:

ClinVar aggregate classification (germline): Uncertain significance (1 of 4 stars; one submission).

Conditions:
Dyskeratosis congenita. Identifiers: Orphanet 1775, MedGen C0265965, MONDO:0015780.

Submission:

Labcorp Genetics (formerly Invitae), Labcorp
Classification: Uncertain significance for Dyskeratosis congenita. Last evaluated: 2022-11-01. Review status: criteria provided, single submitter. Criteria: Invitae Variant Classification Sherloc (09022015). Collection method: clinical testing. Allele origin: germline.
Comment: Algorithms developed to predict the effect of sequence changes on RNA splicing suggest that this variant may disrupt the consensus splice site. This sequence change replaces tryptophan, which is neutral and slightly polar, with cysteine, which is neutral and slightly polar, at codon 189 of the TINF2 protein (p.Trp189Cys). This variant is not present in population databases (gnomAD no frequency). This variant has not been reported in the literature in individuals affected with TINF2-related conditions. Algorithms developed to predict the effect of missense changes on protein structure and function are either unavailable or do not agree on the potential impact of this missense change (SIFT: "Deleterious"; PolyPhen-2: "Possibly Damaging"; Align-GVGD: "Class C15"). In summary, the available evidence is currently insufficient to determine the role of this variant in disease. Therefore, it has been classified as a Variant of Uncertain Significance.

NM_001099274.3(TINF2):c.567G>T (p.Trp189Cys)

Gene: TINF2 (TERF1 interacting nuclear factor 2; minus strand). Cytogenetic location: 14q12.
Variant type: single nucleotide variant.
Coding change: c.567G>T on transcript NM_001099274.3 (MANE Select); coding-DNA position 567, G replaced by T.
Protein change: p.Trp189Cys; replaces tryptophan 189 with cysteine.
Molecular consequence: missense variant.
Genome position (GRCh38, 1-based): chr14:24,241,057, C>A on the plus strand (G>T on the coding strand, the complement: TINF2 is on the minus strand). VCF-style: chr14-24241057-C-A. GRCh37 (hg19) VCF-style: chr14-24710263-C-A.
Other names: c.462G>T, p.Trp154Cys (NM_001363668.2); c.567G>T, p.Trp189Cys (NM_012461.3); short protein forms W154C, W189C.
Identifiers: ClinVar variation 2742139 (VCV002742139.3), dbSNP rs2502459757, ClinGen allele CA389230543.